The following is an entry in ClinVar:

NM_000020.3(ACVRL1):c.1377+65A>G

Gene: ACVRL1 (activin A receptor like type 1; plus strand). Cytogenetic location: 12q13.13.
Variant type: single nucleotide variant.
Coding change: c.1377+65A>G on transcript NM_000020.3 (MANE Select); 65 bases into the intron after coding-DNA position 1377, A replaced by G.
Molecular consequence: intron variant.
Genome position (GRCh38, 1-based): chr12:51,919,180, A>G. VCF-style: chr12-51919180-A-G. GRCh37 (hg19) VCF-style: chr12-52312964-A-G.
Other names: c.1377+65A>G (NM_001077401.2).
Identifiers: ClinVar variation 439373 (VCV000439373.12), dbSNP rs706816, ClinGen allele CA6573150.

ClinVar aggregate classification (germline): Benign. Review status: criteria provided, multiple submitters, no conflicts (2 of 4 stars). 4 submissions from 4 submitters: Benign (4). Last evaluated 2021-12-05.

Conditions:
Telangiectasia, hereditary hemorrhagic, type 2 (HHT2). Also called: Telangiectasia, hereditary hemorrhagic, type II; ACVRL1-Related Hereditary Hemorrhagic Telangiectasia. Identifiers: Orphanet 774, MedGen C1838163, MONDO:0010880, OMIM 600376. Disease mechanism: loss of function.

Allele frequency attached by ClinVar (database versions not stated): gnomAD exomes 0.25091 and 0.26399; ExAC 0.30761; gnomAD 0.31310 and 0.31557; TOPMed 0.32232; 1000 Genomes Project 0.34325; 1000 Genomes Project 30x 0.34588.
gnomAD v4.1: 414,386 of 1,609,606 alleles (26%); highest among the groups gnomAD compares: African/African-American, 50%; 56,656 homozygotes.

Submissions (4):

Genome-Nilou Lab
Classification: Benign for Telangiectasia, hereditary hemorrhagic, type 2. Last evaluated: 2021-12-05. Review status: criteria provided, single submitter. Criteria: ACMG Guidelines, 2015. Collection method: clinical testing. Allele origin: germline. Affected: no.

ARUP Laboratories, Molecular Genetics and Genomics, ARUP Laboratories
Classification: Benign for Telangiectasia, hereditary hemorrhagic, type 2. Last evaluated: 2020-04-04. Review status: criteria provided, single submitter. Criteria: ARUP Molecular Germline Variant Investigation Process. Collection method: clinical testing. Allele origin: germline.

GeneDx
Classification: Benign. Last evaluated: 2018-06-16. Review status: criteria provided, single submitter. Criteria: GeneDx Variant Classification (06012015). Collection method: clinical testing. Allele origin: germline. Affected: yes.
Comment: This variant is considered likely benign or benign based on one or more of the following criteria: it is a conservative change, it occurs at a poorly conserved position in the protein, it is predicted to be benign by multiple in silico algorithms, and/or has population frequency not consistent with disease.

Breakthrough Genomics
Classification: Benign. Review status: criteria provided, single submitter. Criteria: ACMG Guidelines, 2015. Collection method: not provided. Allele origin: germline. Inheritance: Autosomal dominant inheritance. Affected: yes.